The following is an entry in ClinVar:

ClinVar aggregate classification (germline): Uncertain significance (1 of 4 stars; one submission).

Conditions:
Autosomal recessive polycystic kidney disease (ARPKD). Also called: AR polycystic kidney disease. Identifiers: Orphanet 731, Orphanet 8378, MedGen C0085548, MeSH D017044, MONDO:0009889.

Submission:

Labcorp Genetics (formerly Invitae), Labcorp
Classification: Uncertain significance for Autosomal recessive polycystic kidney disease. Last evaluated: 2025-06-22. Review status: criteria provided, single submitter. Criteria: Invitae Variant Classification Sherloc (09022015). Collection method: clinical testing. Allele origin: germline.
Comment: This variant, c.7701_7703del, results in the deletion of 1 amino acid(s) of the PKHD1 protein (p.Gly2568del), but otherwise preserves the integrity of the reading frame. This variant is present in population databases (rs745532396, gnomAD 0.0009%). This variant has not been reported in the literature in individuals affected with PKHD1-related conditions. Experimental studies and prediction algorithms are not available or were not evaluated, and the functional significance of this variant is currently unknown. In summary, the available evidence is currently insufficient to determine the role of this variant in disease. Therefore, it has been classified as a Variant of Uncertain Significance.

NM_138694.4(PKHD1):c.7698AGG[1] (p.Gly2568del)

Gene: PKHD1 (PKHD1 ciliary IPT domain containing fibrocystin/polyductin; minus strand). Cytogenetic location: 6p12.2.
Variant type: Microsatellite.
Coding change: c.7698AGG[1] on transcript NM_138694.4 (MANE Select); one copy of the 3-base unit AGG starting at c.7698; the reference has two copies in a row; one copy, 3 bases deleted.
Protein change: p.Gly2568del; deletes glycine 2568.
Molecular consequence: inframe deletion.
Genome position (GRCh38, 1-based): chr6:51,867,893-51,867,895, CCT deleted on the plus strand (AGG on the coding strand, the reverse complement: PKHD1 is on the minus strand); deleting any 3 consecutive bases within chr6:51,867,893-51,867,900 gives the same sequence; the position shown is the placement nearest the transcript's 3' end. VCF-style (leftmost placement, unchanged base first): chr6-51867892-ACCT-A. GRCh37 (hg19) VCF-style: chr6-51732690-ACCT-A.
Other names: c.7698AGG[1], p.Gly2568del (NM_170724.3); short protein forms G2568del.
Identifiers: ClinVar variation 4746549 (VCV004746549.1).